The following is an entry in ClinVar:

ClinVar aggregate classification (germline): Uncertain significance. Review status: criteria provided, multiple submitters, no conflicts (2 of 4 stars). 2 submissions from 2 submitters: Uncertain significance (2). Last evaluated 2025-06-12.

gnomAD v4.1: 1 of 1,613,900 alleles (0.000062%); highest among the groups gnomAD compares: African/African-American, 0.0013%; no homozygotes.

Submissions (2):

Labcorp Genetics (formerly Invitae), Labcorp
Classification: Uncertain significance. Last evaluated: 2025-06-12. Review status: criteria provided, single submitter. Criteria: Invitae Variant Classification Sherloc (09022015). Collection method: clinical testing. Allele origin: germline.
Comment: This sequence change replaces proline, which is neutral and non-polar, with leucine, which is neutral and non-polar, at codon 275 of the MAGI2 protein (p.Pro275Leu). This variant is not present in population databases (gnomAD no frequency). This variant has not been reported in the literature in individuals affected with MAGI2-related conditions. ClinVar contains an entry for this variant (Variation ID: 2126029). An algorithm developed to predict the effect of missense changes on protein structure and function (PolyPhen-2) suggests that this variant is likely to be tolerated. In summary, the available evidence is currently insufficient to determine the role of this variant in disease. Therefore, it has been classified as a Variant of Uncertain Significance.

Ambry Genetics
Classification: Uncertain significance. Last evaluated: 2022-01-27. Review status: criteria provided, single submitter. Criteria: Ambry Variant Classification Scheme 2023. Collection method: clinical testing. Allele origin: germline.

NM_012301.4(MAGI2):c.824C>T (p.Pro275Leu)

Gene: MAGI2 (membrane associated guanylate kinase, WW and PDZ domain containing 2; minus strand). Cytogenetic location: 7q21.11.
Variant type: single nucleotide variant.
Coding change: c.824C>T on transcript NM_012301.4 (MANE Select); coding-DNA position 824, C replaced by T.
Protein change: p.Pro275Leu; replaces proline 275 with leucine.
Molecular consequence: missense variant.
Genome position (GRCh38, 1-based): chr7:78,501,718, G>A on the plus strand (C>T on the coding strand, the complement: MAGI2 is on the minus strand). VCF-style: chr7-78501718-G-A. GRCh37 (hg19) VCF-style: chr7-78131035-G-A.
Other names: c.824C>T, p.Pro275Leu (NM_001301128.2); short protein forms P275L.
Identifiers: ClinVar variation 2126029 (VCV002126029.5), dbSNP rs373145591, ClinGen allele CA368009203.